The following is an entry in ClinVar:

ClinVar aggregate classification (germline): Uncertain significance (1 of 4 stars; one submission).

Allele frequency attached by ClinVar (database versions not stated): gnomAD exomes below 0.00001; ExAC 0.00001.
gnomAD v4.1: 6 of 1,614,172 alleles (0.00037%); highest among the groups gnomAD compares: African/African-American, 0.008%; no homozygotes.

Submission:

Labcorp Genetics (formerly Invitae), Labcorp
Classification: Uncertain significance. Last evaluated: 2023-11-27. Review status: criteria provided, single submitter. Criteria: Invitae Variant Classification Sherloc (09022015). Collection method: clinical testing. Allele origin: germline.
Comment: This sequence change replaces aspartic acid, which is acidic and polar, with glycine, which is neutral and non-polar, at codon 824 of the CAD protein (p.Asp824Gly). This variant is present in population databases (rs778521944, gnomAD 0.007%). This variant has not been reported in the literature in individuals affected with CAD-related conditions. ClinVar contains an entry for this variant (Variation ID: 1461716). Advanced modeling of protein sequence and biophysical properties (such as structural, functional, and spatial information, amino acid conservation, physicochemical variation, residue mobility, and thermodynamic stability) performed at Invitae indicates that this missense variant is not expected to disrupt CAD protein function with a negative predictive value of 80%. In summary, the available evidence is currently insufficient to determine the role of this variant in disease. Therefore, it has been classified as a Variant of Uncertain Significance.

NM_004341.5(CAD):c.2471A>G (p.Asp824Gly)

Genes: CAD (carbamoyl-phosphate synthetase 2, aspartate transcarbamylase, and dihydroorotase; plus strand), LOC126806171 (BRD4-independent group 4 enhancer GRCh37_chr2:27454350-27455549; plus strand). Cytogenetic location: 2p23.3.
Variant type: single nucleotide variant.
Coding change: c.2471A>G on transcript NM_004341.5 (MANE Select); coding-DNA position 2471, A replaced by G.
Protein change: p.Asp824Gly; replaces aspartic acid 824 with glycine.
Molecular consequence: missense variant.
Genome position (GRCh38, 1-based): chr2:27,232,050, A>G. VCF-style: chr2-27232050-A-G. GRCh37 (hg19) VCF-style: chr2-27454918-A-G.
Other names: c.2282A>G, p.Asp761Gly (NM_001306079.2); short protein forms D761G, D824G.
Identifiers: ClinVar variation 1461716 (VCV001461716.6), dbSNP rs778521944, ClinGen allele CA1573028.